The following is an entry in ClinVar:

NM_000271.5(NPC1):c.2524T>C (p.Phe842Leu)

Gene: NPC1 (NPC intracellular cholesterol transporter 1; minus strand). Cytogenetic location: 18q11.2.
Variant type: single nucleotide variant.
Coding change: c.2524T>C on transcript NM_000271.5 (MANE Select); coding-DNA position 2524, T replaced by C.
Protein change: p.Phe842Leu; replaces phenylalanine 842 with leucine.
Molecular consequence: missense variant.
Genome position (GRCh38, 1-based): chr18:23,540,528, A>G on the plus strand (T>C on the coding strand, the complement: NPC1 is on the minus strand). VCF-style: chr18-23540528-A-G. GRCh37 (hg19) VCF-style: chr18-21120492-A-G.
Other names: short protein forms F842L.
Identifiers: ClinVar variation 499258 (VCV000499258.22), dbSNP rs190298665, ClinGen allele CA8913061.

ClinVar aggregate classification (germline): Conflicting classifications of pathogenicity. Review status: criteria provided, conflicting classifications (1 of 4 stars). 7 submissions from 7 submitters: Pathogenic (2); Likely pathogenic (2); Uncertain significance (3). Last evaluated 2026-05-27.

Conditions:
NPC1-related disorder. Also called: NPC1-related condition.
Niemann-Pick disease, type C1. Also called: NEUROVISCERAL STORAGE DISEASE WITH VERTICAL SUPRANUCLEAR OPHTHALMOPLEGIA; NIEMANN-PICK DISEASE WITH CHOLESTEROL ESTERIFICATION BLOCK; NIEMANN-PICK DISEASE WITHOUT SPHINGOMYELINASE DEFICIENCY; NIEMANN-PICK DISEASE, CHRONIC NEURONOPATHIC FORM; NIEMANN-PICK DISEASE, VARIANT TYPE C1. Identifiers: Orphanet 646, MedGen C3179455, MONDO:0009757, OMIM 257220.

Allele frequency attached by ClinVar (database versions not stated): ExAC 0.00003; gnomAD exomes 0.00004; TOPMed 0.00005; gnomAD 0.00017 and 0.00019; 1000 Genomes Project 0.00080; 1000 Genomes Project 30x 0.00094.
gnomAD v4.1: 47 of 1,610,386 alleles (0.0029%); highest among the groups gnomAD compares: Admixed American, 0.062%; no homozygotes.

Submissions (7):

PreventionGenetics, part of Exact Sciences
Classification: Likely pathogenic for NPC1-related condition. Last evaluated: 2026-05-27. Review status: criteria provided, single submitter. Criteria: ACMG Guidelines, 2015. Collection method: clinical testing. Allele origin: germline.
Comment: The NPC1 c.2524T>C variant is predicted to result in the amino acid substitution p.Phe842Leu. This variant has been reported in the compound heterozygous state in an individual with adult-onset Niemann-Pick disease type C (Zeiger et al. 2018. PubMed ID: 29453517) and was also identified in the analysis of a large sequencing dataset that did not include individuals with Niemann-Pick disease (Wassif et al. 2015. PubMed ID: 25764212). This variant is reported in 0.020% of alleles in individuals of Latino descent in gnomAD. This variant is interpreted as likely pathogenic.

Natera, Inc.
Classification: Likely pathogenic for Niemann-Pick disease type C1. Last evaluated: 2025-12-17. Review status: criteria provided, single submitter. Criteria: Natera Variant Classification Schema (03/2026). Collection method: clinical testing. Allele origin: germline.
Comment: The c.2524T>C variant in NPC1 is a missense variant predicted to cause substitution of phenylalanine to leucine at amino acid 842. This variant is rare in the general population with a frequency below the threshold expected for the associated phenotype(s). This variant has been observed in one or more individuals affected with the associated recessive disease, as either homozygous or compound heterozygous with a second variant (PMID: 29453517). This variant has been identified in one or more affected individual with a phenotype highly consistent with the associated gene (PMID: 29453517). Another variant at this same site results in an alteration predicted to cause a similar molecular effect has been observed in individual(s) with the associated phenotype. Computational prediction algorithms indicate this variant is likely to affect gene or protein function. Given the available evidence, this variant is classified as Likely Pathogenic.

Labcorp Genetics (formerly Invitae), Labcorp
Classification: Pathogenic for Niemann-Pick disease, type C1. Last evaluated: 2025-12-09. Review status: criteria provided, single submitter. Criteria: Invitae Variant Classification Sherloc (09022015). Collection method: clinical testing. Allele origin: germline.
Comment: This sequence change replaces phenylalanine, which is neutral and non-polar, with leucine, which is neutral and non-polar, at codon 842 of the NPC1 protein (p.Phe842Leu). This variant is present in population databases (rs190298665, gnomAD 0.02%). This missense change has been observed in individuals with Niemann-Pick Disease Type C (PMID: 29453517; internal data). ClinVar contains an entry for this variant (Variation ID: 499258). Invitae Evidence Modeling of protein sequence and biophysical properties (such as structural, functional, and spatial information, amino acid conservation, physicochemical variation, residue mobility, and thermodynamic stability) indicates that this missense variant is expected to disrupt NPC1 protein function with a positive predictive value of 95%. This variant disrupts the p.Phe842 amino acid residue in NPC1. Other variant(s) that disrupt this residue have been determined to be pathogenic (internal data). This suggests that this residue is clinically significant, and that variants that disrupt this residue are likely to be disease-causing. For these reasons, this variant has been classified as Pathogenic.

Women's Health and Genetics/Laboratory Corporation of America, LabCorp
Classification: Pathogenic for Niemann-Pick disease, type C1. Last evaluated: 2025-05-29. Review status: criteria provided, single submitter. Criteria: LabCorp Variant Classification Summary - May 2015. Collection method: clinical testing. Allele origin: germline.
Comment: Variant summary: NPC1 c.2524T>C (p.Phe842Leu) results in a non-conservative amino acid change in the encoded protein sequence. Algorithms developed to predict the effect of missense changes on protein structure and function all suggest that this variant is likely to be disruptive. The variant allele was found at a frequency of 3.6e-05 in 251096 control chromosomes. c.2524T>C has been observed in individual(s) affected with Niemann-Pick disease, type C1 ((Wassif_2015, Mazzacuva_2016, Zeiger_2018, Rodriguez-Gil_2021, LCG internal data). These data indicate that the variant is likely to be associated with disease. A different variant resulting in the same amino acid consequence has been classified as likely pathogenic/pathogenic by our lab (c.2526T>A), supporting the pathogenicity of this variant. To our knowledge, no experimental evidence demonstrating an impact on protein function has been reported. The following publications have been ascertained in the context of this evaluation (PMID: 27139891, 34296265, 25764212, 29453517). ClinVar contains an entry for this variant (Variation ID: 499258). Based on the evidence outlined above, the variant was classified as pathogenic.

New York Genome Center
Classification: Uncertain significance for Niemann-Pick disease, type C1. Last evaluated: 2021-04-02. Review status: criteria provided, single submitter. Criteria: NYGC Assertion Criteria 2020. Collection method: clinical testing. Allele origin: germline. Observed: 1 variant allele. Study: CSER-NYCKidSeq.
Comment: This variant has twenty nine heterozygous alleles in the gnomAD v3 database consistent with the carrier frequency and in silico tools predict a deleterious effect. Based on the available evidence, the variant c.2524T>C, p.Phe842Leu in the NPC1gene is classified as a variant of uncertain significance.

Revvity Omics, Revvity
Classification: Uncertain significance for Niemann-Pick disease, type C1. Last evaluated: 2020-03-12. Review status: criteria provided, single submitter. Criteria: ACMG Guidelines, 2015. Collection method: clinical testing. Allele origin: germline.

Eurofins Ntd Llc (ga)
Classification: Uncertain significance. Last evaluated: 2016-12-15. Review status: criteria provided, single submitter. Criteria: EGL Classification Definitions 2015. Collection method: clinical testing. Allele origin: germline. Observed: 1 variant allele, 1 heterozygote.

Literature cited by the submitters: PubMed 29453517 (cited by 3 submitters); PubMed 25764212 (cited by Women's Health and Genetics/Laboratory Corporation of America, LabCorp); PubMed 27139891 (cited by Women's Health and Genetics/Laboratory Corporation of America, LabCorp); PubMed 34296265 (cited by Women's Health and Genetics/Laboratory Corporation of America, LabCorp).